The following is an entry in ClinVar:

NM_001360.3(DHCR7):c.485C>T (p.Ala162Val)

Gene: DHCR7 (7-dehydrocholesterol reductase; minus strand). Cytogenetic location: 11q13.4.
Variant type: single nucleotide variant.
Coding change: c.485C>T on transcript NM_001360.3 (MANE Select); coding-DNA position 485, C replaced by T.
Protein change: p.Ala162Val; replaces alanine 162 with valine.
Molecular consequence: missense variant.
Genome position (GRCh38, 1-based): chr11:71,441,368, G>A on the plus strand (C>T on the coding strand, the complement: DHCR7 is on the minus strand). VCF-style: chr11-71441368-G-A. GRCh37 (hg19) VCF-style: chr11-71152414-G-A.
Other names: c.485C>T, p.Ala162Val (NM_001163817.2); short protein forms A162V.
Identifiers: ClinVar variation 93720 (VCV000093720.23), dbSNP rs398123606, ClinGen allele CA221674.

ClinVar aggregate classification (germline): Conflicting classifications of pathogenicity. Review status: criteria provided, conflicting classifications (1 of 4 stars). 7 submissions from 7 submitters: Uncertain significance (5); Likely benign (1). 1 of the submissions does not count toward it. Last evaluated 2026-10-05.

Conditions:
DHCR7-related disorder. Also called: DHCR7-related condition.
Inborn genetic diseases. Identifiers: MedGen C0950123, MeSH D030342.
Smith-Lemli-Opitz syndrome (SLOS). Also called: POLYDACTYLY, SEX REVERSAL, RENAL HYPOPLASIA, AND UNILOBAR LUNG; LETHAL ACRODYSGENITAL SYNDROME; RSH SYNDROME; RUTLEDGE LETHAL MULTIPLE CONGENITAL ANOMALY SYNDROME; 7-Dehydrocholesterol reductase deficiency. Identifiers: Orphanet 818, MedGen C0175694, MONDO:0010035, OMIM 270400.

Allele frequency attached by ClinVar (database versions not stated): 1000 Genomes Project 0.00020; ExAC 0.00005; TOPMed 0.00013; 1000 Genomes Project 30x 0.00031; gnomAD exomes 0.00003 and 0.00009; gnomAD 0.00011.
gnomAD v4.1: 58 of 1,614,242 alleles (0.0036%); highest among the groups gnomAD compares: Admixed American, 0.073%; no homozygotes.

Submissions (7):

GeneDx
Classification: Uncertain significance. Last evaluated: 2026-10-05. Review status: criteria provided, single submitter. Criteria: GeneDx Variant Classification Process June 2021. Collection method: clinical testing. Allele origin: germline.
Comment: In silico analysis suggests that this missense variant does not alter protein structure/function; Has not been previously published as pathogenic or benign to our knowledge; This variant is associated with the following publications: (PMID: 29300326)

Labcorp Genetics (formerly Invitae), Labcorp
Classification: Likely benign for Smith-Lemli-Opitz syndrome. Last evaluated: 2026-01-26. Review status: criteria provided, single submitter. Criteria: Invitae Variant Classification Sherloc (09022015). Collection method: clinical testing. Allele origin: germline.

Ambry Genetics
Classification: Uncertain significance for Inborn genetic diseases. Last evaluated: 2025-09-24. Review status: criteria provided, single submitter. Criteria: Ambry Variant Classification Scheme 2023. Collection method: clinical testing. Allele origin: germline.

PreventionGenetics, part of Exact Sciences
Classification: Uncertain significance for DHCR7-related condition. Last evaluated: 2025-03-25. Review status: criteria provided, single submitter. Criteria: ACMG Guidelines, 2015. Collection method: clinical testing. Allele origin: germline.
Comment: The DHCR7 c.485C>T variant is predicted to result in the amino acid substitution p.Ala162Val. To our knowledge, this variant has not been reported in the literature. This variant is reported in 0.059% of alleles in individuals of Latino descent in gnomAD. Although we suspect that this variant may be benign, at this time, the clinical significance of this variant is uncertain due to the absence of conclusive functional and genetic evidence.

Fulgent Genetics
Classification: Uncertain significance for Smith-Lemli-Opitz syndrome. Last evaluated: 2021-08-23. Review status: criteria provided, single submitter. Criteria: ACMG Guidelines, 2015. Collection method: clinical testing. Allele origin: unknown.

Eurofins Ntd Llc (ga)
Classification: Uncertain significance. Last evaluated: 2017-08-22. Review status: criteria provided, single submitter. Criteria: EGL Classification Definitions 2015. Collection method: clinical testing. Allele origin: germline. Observed: 2 variant alleles, 2 heterozygotes.

Natera, Inc.
Classification: Uncertain significance for Smith-Lemli-Opitz syndrome. Last evaluated: 2018-06-29. Review status: no assertion criteria provided. Collection method: clinical testing. Allele origin: germline. Not counted in ClinVar's aggregate classification.